The following is an entry in ClinVar:

NM_001025356.3(ANO6):c.1387-1G>T

Gene: ANO6 (anoctamin 6; plus strand). Cytogenetic location: 12q12.
Variant type: single nucleotide variant.
Coding change: c.1387-1G>T on transcript NM_001025356.3 (MANE Select); the canonical splice acceptor site of the intron before coding-DNA position 1387, G replaced by T.
Molecular consequence: splice acceptor variant.
Genome position (GRCh38, 1-based): chr12:45,401,794, G>T. VCF-style: chr12-45401794-G-T. GRCh37 (hg19) VCF-style: chr12-45795577-G-T.
Other names: p.?; IVS12AS, G-T, -1; c.1387-1G>T (NM_001142679.2); c.1450-1G>T (NM_001204803.2); c.1354-1G>T (NM_001410973.1); c.1333-1G>T (NM_001142678.2).
Identifiers: ClinVar variation 449565 (VCV000449565.23), dbSNP rs374664255, ClinGen allele CA6525350.

ClinVar aggregate classification (germline): Pathogenic. Review status: criteria provided, multiple submitters, no conflicts (2 of 4 stars). 6 submissions from 6 submitters: Pathogenic (5). 1 of the submissions does not count toward it. Last evaluated 2026-01-24.

Conditions:
SCOTT SYNDROME (SCTS). Also called: BLEEDING DISORDER, PLATELET-TYPE, 7; PROTHROMBIN CONSUMPTION DEFICIENCY; PROTHROMBIN CONSUMPTION INHIBITOR, FAMILIAL; PROTHROMBIN CONVERSION DEFECT, FAMILIAL; Platelet factor X receptor deficiency; BLEEDING ABNORMALITY DUE TO DEFICIENCY OF PLATELET BINDING OF FACTOR X. Identifiers: Orphanet 806, MedGen C0796149, MONDO:0009885, OMIM 262890.
ANO6-related disorder. Also called: ANO6-related condition.

Allele frequency attached by ClinVar (database versions not stated): gnomAD exomes 0.00007 and 0.00019; ExAC 0.00008; gnomAD 0.00011 and 0.00012; TOPMed 0.00014; ESP Exome Variant Server 0.00023.
gnomAD v4.1: 307 of 1,612,310 alleles (0.019%); highest among the groups gnomAD compares: Non-Finnish European, 0.023%; no homozygotes.

Submissions (8):

Labcorp Genetics (formerly Invitae), Labcorp
Classification: Pathogenic. Last evaluated: 2026-01-24. Review status: criteria provided, single submitter. Criteria: Invitae Variant Classification Sherloc (09022015). Collection method: clinical testing. Allele origin: germline.
Comment: This sequence change affects an acceptor splice site in intron 12 of the ANO6 gene. RNA analysis indicates that disruption of this splice site induces altered splicing and may result in an absent or altered protein product. This variant is present in population databases (rs374664255, gnomAD 0.02%). Disruption of this splice site has been observed in individual(s) with Scott disease and/or Scott syndrome (PMID: 21107324). It has also been observed to segregate with disease in related individuals. ClinVar contains an entry for this variant (Variation ID: 449565). Studies have shown that disruption of this splice site results in skipping of exon 13, and produces a non-functional protein and/or introduces a premature termination codon (PMID: 21107324). For these reasons, this variant has been classified as Pathogenic.

Mayo Clinic Laboratories, Mayo Clinic
Classification: Pathogenic. Last evaluated: 2024-12-10. Review status: criteria provided, single submitter. Criteria: ACMG Guidelines, 2015. Collection method: clinical testing. Allele origin: germline. Observed: 2 variant alleles.
Comment: PM2_supporting, PM3_supporting, PVS1

Women's Health and Genetics/Laboratory Corporation of America, LabCorp
Classification: Pathogenic for SCOTT SYNDROME. Last evaluated: 2023-03-30. Review status: criteria provided, single submitter. Criteria: LabCorp Variant Classification Summary - May 2015. Collection method: clinical testing. Allele origin: germline.
Comment: Variant summary: ANO6 c.1387-1G>T is located in a canonical splice-site and is predicted to affect mRNA splicing resulting in a significantly altered protein due to either exon skipping, shortening, or inclusion of intronic material. Several computational tools predict a significant impact on normal splicing: Four predict the variant abolishes a canonical 3' acceptor site. This effect on splicing was experimentally confirmed: cDNA sequencing of a homozygous patient showed skipping of exon 13 (Suzuki_2010). The variant allele was found at a frequency of 7.2e-05 in 251160 control chromosomes (gnomAD). c.1387-1G>T has been reported in the literature in at least one homozygous individual affected with Scott syndrome (Suzuki_2010). These data indicate that the variant may be associated with disease. Two ClinVar submitters have assessed the variant since 2014: both classified the variant as pathogenic. Based on the evidence outlined above, the variant was classified as pathogenic.

PreventionGenetics, part of Exact Sciences
Classification: Pathogenic for ANO6-related condition. Last evaluated: 2022-11-14. Review status: criteria provided, single submitter. Criteria: ACMG Guidelines, 2015. Collection method: clinical testing. Allele origin: germline.
Comment: The ANO6 c.1387-1G>T variant is predicted to disrupt the AG splice acceptor site and interfere with normal splicing. This variant was reported in the homozygous state in an individual with Scott syndrome (Figure 4 in Suzuki et al 2010. PubMed ID: 21107324). Splicing studies found this variant leads to skipping of the exon which is predicted to result in a frameshift and premature truncation of the protein (Figure 4 in Suzuki et al 2010. PubMed ID: 21107324). This variant is reported in 0.016% of alleles in individuals of European (Non-Finnish) descent in gnomAD. Variants that disrupt the consensus splice acceptor site in ANO6 (previously known as TMEM16F) are expected to be pathogenic. This variant is interpreted as pathogenic.

GeneDx
Classification: Pathogenic. Last evaluated: 2020-12-17. Review status: criteria provided, single submitter. Criteria: GeneDx Variant Classification Process June 2021. Collection method: clinical testing. Allele origin: germline. Affected: yes.
Comment: Canonical splice site variant predicted to result in a null allele in a gene for which loss-of-function is a known mechanism of disease; This variant is associated with the following publications: (PMID: 25525159, 21107324)

OMIM
Classification: Pathogenic for SCOTT SYNDROME. Last evaluated: 2010-12-09. Review status: no assertion criteria provided. Collection method: literature only. Allele origin: germline. Not counted in ClinVar's aggregate classification.

Dr. Peter K. Rogan Lab, Western University
No classification provided (evidence only). Condition: Melanoma. Review status: no classification provided. Collection method: in vitro. Allele origin: not applicable. Functional consequence: skipped exon. Not counted in ClinVar's aggregate classification.

Dr. Peter K. Rogan Lab, Western University
No classification provided (evidence only). Condition: Melanoma. Review status: no classification provided. Collection method: in vitro. Allele origin: not applicable. Functional consequence: skipped exon, retained intron. Not counted in ClinVar's aggregate classification.

Literature cited by the submitters: PubMed 21107324 (cited by 4 submitters); PubMed 37647632 (cited by Mayo Clinic Laboratories, Mayo Clinic); PubMed 7989579 (cited by OMIM).